The following is an entry in ClinVar:

ClinVar aggregate classification (germline): Uncertain significance. Review status: criteria provided, multiple submitters, no conflicts (2 of 4 stars). 3 submissions from 3 submitters: Uncertain significance (2). 1 of the submissions does not count toward it. Last evaluated 2024-07-02.

Conditions:
Inborn genetic diseases. Identifiers: MedGen C0950123, MeSH D030342.
Glycine encephalopathy. Also called: Nonketotic hyperglycinemia; Non-ketotic hyperglycinemia. Identifiers: Orphanet 407, MedGen C0751748, MONDO:0011612, HP:0008288.

Allele frequency attached by ClinVar (database versions not stated): ExAC 0.00001; gnomAD exomes 0.00001; gnomAD 0.00002 and 0.00003; TOPMed 0.00003.
gnomAD v4.1: 148 of 1,613,808 alleles (0.0092%); highest among the groups gnomAD compares: Non-Finnish European, 0.012%; no homozygotes.

Submissions (3):

Ambry Genetics
Classification: Uncertain significance for Inborn genetic diseases. Last evaluated: 2024-07-02. Review status: criteria provided, single submitter. Criteria: Ambry Variant Classification Scheme 2023. Collection method: clinical testing. Allele origin: germline.

Labcorp Genetics (formerly Invitae), Labcorp
Classification: Uncertain significance for Glycine encephalopathy. Last evaluated: 2022-10-17. Review status: criteria provided, single submitter. Criteria: Invitae Variant Classification Sherloc (09022015). Collection method: clinical testing. Allele origin: germline.
Comment: This sequence change replaces proline, which is neutral and non-polar, with leucine, which is neutral and non-polar, at codon 584 of the GLDC protein (p.Pro584Leu). This variant is present in population databases (rs779138019, gnomAD 0.002%). This variant has not been reported in the literature in individuals affected with GLDC-related conditions. ClinVar contains an entry for this variant (Variation ID: 1055773). Advanced modeling of protein sequence and biophysical properties (such as structural, functional, and spatial information, amino acid conservation, physicochemical variation, residue mobility, and thermodynamic stability) performed at Invitae indicates that this missense variant is expected to disrupt GLDC protein function. In summary, the available evidence is currently insufficient to determine the role of this variant in disease. Therefore, it has been classified as a Variant of Uncertain Significance.

Natera, Inc.
Classification: Uncertain significance for Non-ketotic hyperglycinemia. Last evaluated: 2020-01-28. Review status: no assertion criteria provided. Collection method: clinical testing. Allele origin: germline. Not counted in ClinVar's aggregate classification.

NM_000170.3(GLDC):c.1751C>T (p.Pro584Leu)

Gene: GLDC (glycine decarboxylase; minus strand). Cytogenetic location: 9p24.1.
Variant type: single nucleotide variant.
Coding change: c.1751C>T on transcript NM_000170.3 (MANE Select); coding-DNA position 1751, C replaced by T.
Protein change: p.Pro584Leu; replaces proline 584 with leucine.
Molecular consequence: missense variant.
Genome position (GRCh38, 1-based): chr9:6,587,240, G>A on the plus strand (C>T on the coding strand, the complement: GLDC is on the minus strand). VCF-style: chr9-6587240-G-A. GRCh37 (hg19) VCF-style: chr9-6587240-G-A.
Other names: c.1751C>T (NM_000170.2); short protein forms P584L.
Identifiers: ClinVar variation 1055773 (VCV001055773.8), dbSNP rs779138019, ClinGen allele CA4980547.
Genomic context (GRCh38, chr9:6,587,240, plus strand): 5'-TCACACAAATCCTTCTCAAGCTCTCGGAAAAGCTGCTGATATCCTTGAGCTTGATCCAGA[G>A]GCACAAAGGGGTGGATGTTTGCAAATTCTTTCCATGTGATAGGCTGAAAAGAAAGAAAAC-3'
Protein context (NP_000161.2, residues 574-594): KEFANIHPFV[Pro584Leu]LDQAQGYQQL